The following is an entry in ClinVar:

ClinVar aggregate classification (germline): Uncertain significance. Review status: criteria provided, single submitter (1 of 4 stars). 2 submissions from 2 submitters: Uncertain significance (1). 1 of the submissions does not count toward it. Last evaluated 2025-10-18.

Conditions:
NPHP1-related disorder. Also called: NPHP1-related disorders; NPHP1-related condition.
Inborn genetic diseases. Identifiers: MedGen C0950123, MeSH D030342.

gnomAD v4.1: 2 of 1,611,902 alleles (0.00012%); highest among the groups gnomAD compares: East Asian, 0.0022%; no homozygotes.

Submissions (2):

Ambry Genetics
Classification: Uncertain significance for Inborn genetic diseases. Last evaluated: 2025-10-18. Review status: criteria provided, single submitter. Criteria: Ambry Variant Classification Scheme 2023. Collection method: clinical testing. Allele origin: germline.

PreventionGenetics, part of Exact Sciences
Classification: Uncertain significance for NPHP1-related condition. Last evaluated: 2024-09-25. Review status: no assertion criteria provided. Collection method: clinical testing. Allele origin: germline. Not counted in ClinVar's aggregate classification.
Comment: The NPHP1 c.1789A>G variant is predicted to result in the amino acid substitution p.Arg597Gly. To our knowledge, this variant has not been reported in the literature or in a large population database, indicating this variant is rare. At this time, the clinical significance of this variant is uncertain due to the absence of conclusive functional and genetic evidence.

NM_001128178.3(NPHP1):c.1621A>G (p.Arg541Gly)

Gene: NPHP1 (nephrocystin 1; minus strand). Cytogenetic location: 2q13.
Variant type: single nucleotide variant.
Coding change: c.1621A>G on transcript NM_001128178.3 (MANE Select); coding-DNA position 1621, A replaced by G.
Protein change: p.Arg541Gly; replaces arginine 541 with glycine.
Molecular consequence: missense variant.
Genome position (GRCh38, 1-based): chr2:110,131,700, T>C on the plus strand (A>G on the coding strand, the complement: NPHP1 is on the minus strand). VCF-style: chr2-110131700-T-C. GRCh37 (hg19) VCF-style: chr2-110889277-T-C.
Other names: c.1789A>G, p.Arg597Gly (NM_000272.5); c.1432A>G, p.Arg478Gly (NM_001128179.3); c.1618A>G, p.Arg540Gly (NM_001374256.1); c.1621A>G, p.Arg541Gly (NM_001374257.1); c.1786A>G, p.Arg596Gly (NM_207181.4); short protein forms R478G, R540G, R541G, R596G, R597G.
Identifiers: ClinVar variation 3355515 (VCV003355515.2).